The following is an entry in ClinVar:

NM_001127222.2(CACNA1A):c.2866C>T (p.Arg956Ter)

Gene: CACNA1A (calcium voltage-gated channel subunit alpha1 A; minus strand). Cytogenetic location: 19p13.13.
Variant type: single nucleotide variant.
Coding change: c.2866C>T on transcript NM_001127222.2 (MANE Select); coding-DNA position 2866, C replaced by T.
Protein change: p.Arg956Ter; replaces arginine 956 with a stop codon.
Molecular consequence: nonsense.
Genome position (GRCh38, 1-based): chr19:13,298,767, G>A on the plus strand (C>T on the coding strand, the complement: CACNA1A is on the minus strand). VCF-style: chr19-13298767-G-A. GRCh37 (hg19) VCF-style: chr19-13409581-G-A.
Other names: c.2878C>T, p.Arg960Ter (NM_000068.4, NM_023035.3); c.2869C>T, p.Arg957Ter (NM_001127221.2, NM_001174080.2); short protein forms R956*, R957*, R960*.
Identifiers: ClinVar variation 1200939 (VCV001200939.3), dbSNP rs1245624754, ClinGen allele CA404342558.
Genomic context (GRCh38, chr19:13,298,767, plus strand): 5'-TCCGCTCCGCCTTGTCCTCCGGACCCTCCTCCCCGGGCCTGCGGTGCGCGCGATGACGTC[G>A]ATGCTCCCCGTCCGCGCCCGTGCGCGGGGACCCGCTGCGGCTCTCCCTGCTGCCCCCCTG-3'

ClinVar aggregate classification (germline): Likely pathogenic (1 of 4 stars; one submission).

Submission:

GeneDx
Classification: Likely pathogenic. Last evaluated: 2021-06-29. Review status: criteria provided, single submitter. Criteria: GeneDx Variant Classification Process June 2021. Collection method: clinical testing. Allele origin: germline. Affected: yes.
Comment: Nonsense variant predicted to result in protein truncation in a gene for which loss-of-function is a known mechanism of disease; Not observed at significant frequency in large population cohorts (Lek et al., 2016); Has not been previously published as pathogenic or benign to our knowledge; This variant is associated with the following publications: (PMID: 27535533)